The following is an entry in ClinVar:

ClinVar aggregate classification (germline): Uncertain significance (1 of 4 stars; one submission).

Submission:

Labcorp Genetics (formerly Invitae), Labcorp
Classification: Uncertain significance. Last evaluated: 2022-02-22. Review status: criteria provided, single submitter. Criteria: Invitae Variant Classification Sherloc (09022015). Collection method: clinical testing. Allele origin: germline.
Comment: This sequence change replaces phenylalanine, which is neutral and non-polar, with tyrosine, which is neutral and polar, at codon 235 of the CNGB3 protein (p.Phe235Tyr). This variant is not present in population databases (gnomAD no frequency). This variant has not been reported in the literature in individuals affected with CNGB3-related conditions. Advanced modeling of protein sequence and biophysical properties (such as structural, functional, and spatial information, amino acid conservation, physicochemical variation, residue mobility, and thermodynamic stability) performed at Invitae indicates that this missense variant is not expected to disrupt CNGB3 protein function. In summary, the available evidence is currently insufficient to determine the role of this variant in disease. Therefore, it has been classified as a Variant of Uncertain Significance.

NM_019098.5(CNGB3):c.704T>A (p.Phe235Tyr)

Gene: CNGB3 (cyclic nucleotide gated channel subunit beta 3; minus strand). Cytogenetic location: 8q21.3.
Variant type: single nucleotide variant.
Coding change: c.704T>A on transcript NM_019098.5 (MANE Select); coding-DNA position 704, T replaced by A.
Protein change: p.Phe235Tyr; replaces phenylalanine 235 with tyrosine.
Molecular consequence: missense variant.
Genome position (GRCh38, 1-based): chr8:86,667,073, A>T on the plus strand (T>A on the coding strand, the complement: CNGB3 is on the minus strand). VCF-style: chr8-86667073-A-T. GRCh37 (hg19) VCF-style: chr8-87679301-A-T.
Other names: short protein forms F235Y.
Identifiers: ClinVar variation 1416332 (VCV001416332.3), dbSNP rs2131615065, ClinGen allele CA371449556.